The following is an entry in ClinVar:

ClinVar aggregate classification (germline): Conflicting classifications of pathogenicity. Review status: criteria provided, conflicting classifications (1 of 4 stars). 16 submissions from 16 submitters: Uncertain significance (10); Likely benign (5). 1 of the submissions does not count toward it. Last evaluated 2026-09-01.

Conditions:
Walker-Warburg congenital muscular dystrophy. Also called: Muscular dystrophy-dystroglycanopathy, type A; Walker-Warburg syndrome. Identifiers: Orphanet 899, MedGen C0265221, MONDO:0000171.
Cardiovascular phenotype. Identifiers: MedGen CN230736.
Muscular dystrophy-dystroglycanopathy type B5 (MDDGB5). Also called: MUSCULAR DYSTROPHY, CONGENITAL, 1C; MUSCULAR DYSTROPHY, CONGENITAL, FKRP-RELATED; MUSCULAR DYSTROPHY-DYSTROGLYCANOPATHY (CONGENITAL WITH OR WITHOUT IMPAIRED INTELLECTUAL DEVELOPMENT), TYPE B, 5. Identifiers: MedGen C1847759, MONDO:0011688, OMIM 606612.
Autosomal recessive limb-girdle muscular dystrophy type 2I. Also called: MUSCULAR DYSTROPHY, LIMB-GIRDLE, TYPE 2I; MUSCULAR DYSTROPHY-DYSTROGLYCANOPATHY (LIMB-GIRDLE), TYPE C, 5; MUSCULAR DYSTROPHY-DYSTROGLYCANOPATHY, LIMB-GIRDLE, FRKP-RELATED. Identifiers: Orphanet 34515, MedGen C1846672, MONDO:0011787, OMIM 607155.
Muscular dystrophy-dystroglycanopathy (congenital with brain and eye anomalies), type A1 (MDDGA1). Also called: Muscular dystrophy-dystroglycanopathy (congenital with brain and eye anomalies), type A, 1; WALKER-WARBURG SYNDROME OR MUSCLE-EYE-BRAIN DISEASE, POMT1-RELATED; Hydrocephalus, agyria and retinal dysplasia; Hard +/- E syndrome; Warburg syndrome; Chemke syndrome. Identifiers: Orphanet 588, Orphanet 899, MedGen C4284790, MONDO:0009364, OMIM 236670.
Muscular dystrophy-dystroglycanopathy (congenital with brain and eye anomalies), type A5. Also called: MUSCULAR DYSTROPHY-DYSTROGLYCANOPATHY (CONGENITAL WITH BRAIN AND EYE ANOMALIES), TYPE A, 5; WALKER-WARBURG SYNDROME OR MUSCLE-EYE-BRAIN DISEASE, FKRP-RELATED. Identifiers: Orphanet 588, Orphanet 899, MedGen C3150413, MONDO:0013157, OMIM 613153.

Allele frequency attached by ClinVar (database versions not stated): gnomAD 0.00048; TOPMed 0.00065.
gnomAD v4.1: 1,347 of 1,523,414 alleles (0.088%); highest among the groups gnomAD compares: Non-Finnish European, 0.11%; 3 homozygotes.

Submissions (16):

GeneDx
Classification: Uncertain significance. Last evaluated: 2026-09-01. Review status: criteria provided, single submitter. Criteria: GeneDx Variant Classification Process June 2021. Collection method: clinical testing. Allele origin: germline.
Comment: Identified in an individual with suspected limb-girdle muscular dystrophy; however, no second reportable FKRP variant was identified (PMID: 30564623); In silico analysis suggests that this missense variant does not alter protein structure/function; Missense variants in this gene are a common cause of disease and they are underrepresented in the general population; This variant is associated with the following publications: (PMID: 31638414, 31862442, 27439679, 30564623)

Women's Health and Genetics/Laboratory Corporation of America, LabCorp
Classification: Likely benign. Last evaluated: 2026-02-09. Review status: criteria provided, single submitter. Criteria: LabCorp Variant Classification Summary - May 2015. Collection method: clinical testing. Allele origin: germline.
Comment: Variant summary: FKRP c.456C>G (p.Ser152Arg) results in a non-conservative amino acid change in the encoded protein sequence. Algorithms developed to predict the effect of missense changes on protein structure and function are either unavailable or do not agree on the potential impact of this missense change. The variant allele was found at a frequency of 0.0005 in 119918 control chromosomes, predominantly at a frequency of 0.0013 within the Non-Finnish European subpopulation in the gnomAD database v2. This frequency is not significantly higher than estimated for disease-causing variants in FKRP, allowing no conclusion about variant significance. However in the gnomAD database v4, this variant was observed in three homozygotes. c.456C>G has been observed in individuals affected with clinical features of early onset atrial fibrillation, Emery-Dreifuss muscular dystrophy, or limb-girdle muscular dystrophy (example, Goodyer_2019, Meinke_2020, Nallamilli_2018), without strong evidence for causality. These report(s) do not provide unequivocal conclusions about association of the variant with Limb-Girdle Muscular Dystrophy, Autosomal Recessive. To our knowledge, no experimental evidence demonstrating an impact on protein function has been reported. The following publications have been ascertained in the context of this evaluation (PMID: 31638414, 31862442, 30564623). ClinVar contains an entry for this variant (Variation ID: 289565). Based on the evidence outlined above, the variant was classified as likely benign.

Labcorp Genetics (formerly Invitae), Labcorp
Classification: Likely benign for Walker-Warburg congenital muscular dystrophy. Last evaluated: 2026-02-01. Review status: criteria provided, single submitter. Criteria: Invitae Variant Classification Sherloc (09022015). Collection method: clinical testing. Allele origin: germline.

CeGaT Center for Human Genetics Tuebingen
Classification: Uncertain significance. Last evaluated: 2025-09-01. Review status: criteria provided, single submitter. Criteria: CeGaT Center For Human Genetics Tuebingen Variant Classification Criteria Version 2. Collection method: clinical testing. Allele origin: germline. Affected: yes. Observed: 2 variant alleles.
Comment: FKRP: PP3

Molecular Diagnostic Laboratory for Inherited Cardiovascular Disease, Montreal Heart Institute
Classification: Likely benign. Last evaluated: 2025-07-24. Review status: criteria provided, single submitter. Criteria: ACMG Guidelines, 2015. Collection method: clinical testing. Allele origin: germline. Affected: no.
Comment: BS1, BP4

Revvity Omics, Revvity
Classification: Uncertain significance. Last evaluated: 2025-06-16. Review status: criteria provided, single submitter. Criteria: ACMG Guidelines, 2015. Collection method: clinical testing. Allele origin: germline.

Mayo Clinic Laboratories, Mayo Clinic
Classification: Uncertain significance. Last evaluated: 2025-05-29. Review status: criteria provided, single submitter. Criteria: ACMG Guidelines, 2015. Collection method: clinical testing. Allele origin: germline. Observed: 6 variant alleles.
Comment: BP4

Blueprint Genetics
Classification: Likely benign. Last evaluated: 2024-11-05. Review status: criteria provided, single submitter. Criteria: ACMG Guidelines, 2015. Collection method: clinical testing. Allele origin: germline.

Athena Diagnostics
Classification: Uncertain significance. Last evaluated: 2024-10-16. Review status: criteria provided, single submitter. Criteria: Athena Diagnostics Criteria. Collection method: clinical testing. Allele origin: unknown.
Comment: Available data are insufficient to determine the clinical significance of the variant at this time. The frequency of this variant in the general population is uninformative in assessment of its pathogenicity. Polyphen and MutationTaster predict this amino acid change may be benign.

Ambry Genetics
Classification: Likely benign for Cardiovascular phenotype. Last evaluated: 2022-07-06. Review status: criteria provided, single submitter. Criteria: Ambry Variant Classification Scheme 2023. Collection method: clinical testing. Allele origin: germline.

Fulgent Genetics
Classification: Uncertain significance for Muscular dystrophy-dystroglycanopathy (congenital with brain and eye anomalies), type A1; Muscular dystrophy-dystroglycanopathy type B5; Autosomal recessive limb-girdle muscular dystrophy type 2I; Muscular dystrophy-dystroglycanopathy (congenital with brain and eye anomalies), type A5. Last evaluated: 2022-05-12. Review status: criteria provided, single submitter. Criteria: ACMG Guidelines, 2015. Collection method: clinical testing. Allele origin: unknown.

Eurofins Ntd Llc (ga)
Classification: Uncertain significance. Last evaluated: 2018-08-30. Review status: criteria provided, single submitter. Criteria: EGL ClinVar v180209 classification definitions. Collection method: clinical testing. Allele origin: germline. Observed: 6 variant alleles, 6 heterozygotes.

Stanford Center for Inherited Cardiovascular Disease, Stanford University
Classification: Uncertain significance. Last evaluated: 2017-04-05. Review status: criteria provided, single submitter. Criteria: ACMG Guidelines, 2015. Collection method: provider interpretation. Allele origin: germline.

Genetic Services Laboratory, University of Chicago
Classification: Uncertain significance. Last evaluated: 2016-10-13. Review status: criteria provided, single submitter. Criteria: ACMG Guidelines, 2015. Collection method: clinical testing. Allele origin: germline. Affected: no.

Center for Genomics, Ann and Robert H. Lurie Children's Hospital of Chicago
Classification: Uncertain significance for Muscular dystrophy-dystroglycanopathy type B5; Autosomal recessive limb-girdle muscular dystrophy type 2I; Muscular dystrophy-dystroglycanopathy (congenital with brain and eye anomalies), type A5. Review status: criteria provided, single submitter. Criteria: ACMG Guidelines, 2015. Collection method: clinical testing. Allele origin: germline.
Comment: FKRP NM_024301.4 exon 4 p.Ser152Arg (c.456C>G): This variant has not been reported in the literature and is present in 0.1% (72/60014) of European alleles in the Genome Aggregation Database. This variant is present in ClinVar (Variation ID:289565). This variant amino acid Arginine (Arg) is present in multiple species including the green seaturtle, painted turtle, chinese softshell turtle, and spiny softshell turtle, and it is not well conserved among evolutionarily distant species; this suggests that this variant may not impact the protein. Additional computational prediction tools do not suggest an impact. In summary, data on this variant is insufficient for disease classification. Therefore, the clinical significance of this variant is uncertain.

Natera, Inc.
Classification: Uncertain significance for Limb-girdle muscular dystrophy type 2I. Last evaluated: 2020-01-08. Review status: no assertion criteria provided. Collection method: clinical testing. Allele origin: germline. Not counted in ClinVar's aggregate classification.

Literature cited by the submitters: PubMed 30564623 (cited by 4 submitters); PubMed 31638414 (cited by 4 submitters); PubMed 31862442 (cited by Women's Health and Genetics/Laboratory Corporation of America, LabCorp and Athena Diagnostics).

NM_024301.5(FKRP):c.456C>G (p.Ser152Arg)

Gene: FKRP (fukutin related protein; plus strand). Cytogenetic location: 19q13.32.
Variant type: single nucleotide variant.
Coding change: c.456C>G on transcript NM_024301.5 (MANE Select); coding-DNA position 456, C replaced by G.
Protein change: p.Ser152Arg; replaces serine 152 with arginine.
Molecular consequence: missense variant.
Genome position (GRCh38, 1-based): chr19:46,755,906, C>G. VCF-style: chr19-46755906-C-G. GRCh37 (hg19) VCF-style: chr19-47259163-C-G.
Other names: c.456C>G, p.Ser152Arg (NM_001039885.3); short protein forms S152R.
Identifiers: ClinVar variation 289565 (VCV000289565.74), dbSNP rs199714523, ClinGen allele CA9532153.